The following is an entry in ClinVar:

ClinVar aggregate classification (germline): Uncertain significance (1 of 4 stars; one submission).

Allele frequency attached by ClinVar (database versions not stated): gnomAD 0.00001.
gnomAD v4.1: 2 of 1,612,660 alleles (0.00012%); highest among the groups gnomAD compares: East Asian, 0.0022%; no homozygotes.

Submission:

Labcorp Genetics (formerly Invitae), Labcorp
Classification: Uncertain significance. Last evaluated: 2024-12-12. Review status: criteria provided, single submitter. Criteria: Invitae Variant Classification Sherloc (09022015). Collection method: clinical testing. Allele origin: germline.
Comment: This sequence change replaces methionine, which is neutral and non-polar, with valine, which is neutral and non-polar, at codon 588 of the CLCN7 protein (p.Met588Val). This variant is present in population databases (no rsID available, gnomAD 0.005%). This variant has not been reported in the literature in individuals affected with CLCN7-related conditions. ClinVar contains an entry for this variant (Variation ID: 2985915). Invitae Evidence Modeling of protein sequence and biophysical properties (such as structural, functional, and spatial information, amino acid conservation, physicochemical variation, residue mobility, and thermodynamic stability) indicates that this missense variant is not expected to disrupt CLCN7 protein function with a negative predictive value of 95%. In summary, the available evidence is currently insufficient to determine the role of this variant in disease. Therefore, it has been classified as a Variant of Uncertain Significance.

NM_001287.6(CLCN7):c.1762A>G (p.Met588Val)

Gene: CLCN7 (chloride voltage-gated channel 7; minus strand). Cytogenetic location: 16p13.3.
Variant type: single nucleotide variant.
Coding change: c.1762A>G on transcript NM_001287.6 (MANE Select); coding-DNA position 1762, A replaced by G.
Protein change: p.Met588Val; replaces methionine 588 with valine.
Molecular consequence: missense variant.
Genome position (GRCh38, 1-based): chr16:1,449,001, T>C on the plus strand (A>G on the coding strand, the complement: CLCN7 is on the minus strand). VCF-style: chr16-1449001-T-C. GRCh37 (hg19) VCF-style: chr16-1499002-T-C.
Other names: c.1690A>G, p.Met564Val (NM_001114331.3); short protein forms M588V, M564V.
Identifiers: ClinVar variation 2985915 (VCV002985915.3), dbSNP rs1227027091, ClinGen allele CA394186638.
Genomic context (GRCh38, chr16:1,449,001, plus strand): 5'-GTGAGGCTTCGAGGCCCTGGCGCACCTCAATGAAGACGTCGCCCACGATCTTGGCGGTCA[T>C]GAGCACCAGCATGATGGGGAAGCCGTAGGTCACGTTGCTGGTGGCCTCCATCATGATGAC-3'
Protein context (NP_001278.1, residues 578-598): TYGFPIMLVL[Met588Val]TAKIVGDVFI